The following is an entry in ClinVar:

NM_001374736.1(DST):c.17611A>G (p.Ile5871Val)

Gene: DST (dystonin; minus strand). Cytogenetic location: 6p12.1.
Variant type: single nucleotide variant.
Coding change: c.17611A>G on transcript NM_001374736.1 (MANE Select); coding-DNA position 17611, A replaced by G.
Protein change: p.Ile5871Val; replaces isoleucine 5871 with valine.
Molecular consequence: missense variant.
Genome position (GRCh38, 1-based): chr6:56,528,910, T>C on the plus strand (A>G on the coding strand, the complement: DST is on the minus strand). VCF-style: chr6-56528910-T-C. GRCh37 (hg19) VCF-style: chr6-56393708-T-C.
Other names: c.11254A>G, p.Ile3752Val (NM_001144769.5); c.10840A>G, p.Ile3614Val (NM_001144770.2); c.17611A>G, p.Ile5871Val (NM_001374722.1); c.16651A>G, p.Ile5551Val (NM_001374729.1); c.10393A>G, p.Ile3465Val (NM_001374730.1); c.17638A>G, p.Ile5880Val (NM_001374734.1); c.10720A>G, p.Ile3574Val (NM_001386100.1, NM_183380.4); c.9742A>G, p.Ile3248Val (NM_015548.5); short protein forms I3614V, I3752V, I5551V, I3248V, I5871V, I5880V, I3574V, I3465V.
Identifiers: ClinVar variation 1798780 (VCV001798780.2), dbSNP rs775689042, ClinGen allele CA3867402.

ClinVar aggregate classification (germline): Uncertain significance (1 of 4 stars; one submission).

Conditions:
Inborn genetic diseases. Identifiers: MedGen C0950123, MeSH D030342.

Allele frequency attached by ClinVar (database versions not stated): gnomAD exomes 0.00001; TOPMed 0.00001; ExAC 0.00003.
gnomAD v4.1: 9 of 1,583,880 alleles (0.00057%); highest among the groups gnomAD compares: South Asian, 0.0069%; no homozygotes.

Submission:

Ambry Genetics
Classification: Uncertain significance for Inborn genetic diseases. Last evaluated: 2021-03-18. Review status: criteria provided, single submitter. Criteria: Ambry Variant Classification Scheme 2023. Collection method: clinical testing. Allele origin: germline.
Comment: The p.I3752V variant (also known as c.11254A>G), located in coding exon 61 of the DST gene, results from an A to G substitution at nucleotide position 11254. The isoleucine at codon 3752 is replaced by valine, an amino acid with highly similar properties. This amino acid position is highly conserved in available vertebrate species. In addition, this alteration is predicted to be tolerated by in silico analysis. Since supporting evidence is limited at this time, the clinical significance of this alteration remains unclear.